The following is an entry in ClinVar:

NM_020964.3(EPG5):c.644T>G (p.Leu215Arg)

Gene: EPG5 (ectopic P-granules 5 autophagy tethering factor; minus strand). Cytogenetic location: 18q21.1.
Variant type: single nucleotide variant.
Coding change: c.644T>G on transcript NM_020964.3 (MANE Select); coding-DNA position 644, T replaced by G.
Protein change: p.Leu215Arg; replaces leucine 215 with arginine.
Molecular consequence: missense variant.
Genome position (GRCh38, 1-based): chr18:45,954,758, A>C on the plus strand (T>G on the coding strand, the complement: EPG5 is on the minus strand). VCF-style: chr18-45954758-A-C. GRCh37 (hg19) VCF-style: chr18-43534724-A-C.
Other names: c.644T>G, p.Leu215Arg (NM_001410858.1, NM_001410859.1); short protein forms L215R.
Identifiers: ClinVar variation 1964715 (VCV001964715.5), dbSNP rs2512126319, ClinGen allele CA402351271.

ClinVar aggregate classification (germline): Uncertain significance (1 of 4 stars; one submission).

Conditions:
Vici syndrome (VICIS). Identifiers: Orphanet 1493, MedGen C1855772, MONDO:0009452, OMIM 242840.

Submission:

Labcorp Genetics (formerly Invitae), Labcorp
Classification: Uncertain significance for Vici syndrome. Last evaluated: 2022-01-02. Review status: criteria provided, single submitter. Criteria: Invitae Variant Classification Sherloc (09022015). Collection method: clinical testing. Allele origin: germline.
Comment: In summary, the available evidence is currently insufficient to determine the role of this variant in disease. Therefore, it has been classified as a Variant of Uncertain Significance. Algorithms developed to predict the effect of missense changes on protein structure and function are either unavailable or do not agree on the potential impact of this missense change (SIFT: "Deleterious"; PolyPhen-2: "Probably Damaging"; Align-GVGD: "Class C0"). This variant has not been reported in the literature in individuals affected with EPG5-related conditions. This variant is not present in population databases (gnomAD no frequency). This sequence change replaces leucine, which is neutral and non-polar, with arginine, which is basic and polar, at codon 215 of the EPG5 protein (p.Leu215Arg).